The following is an entry in ClinVar:

ClinVar aggregate classification (germline): Uncertain significance. Review status: criteria provided, multiple submitters, no conflicts (2 of 4 stars). 2 submissions from 2 submitters: Uncertain significance (2). Last evaluated 2025-06-06.

Conditions:
Inborn genetic diseases. Identifiers: MedGen C0950123, MeSH D030342.
Charcot-Marie-Tooth disease axonal type 2L. Also called: Charcot-Marie-Tooth Neuropathy Type 2L; CHARCOT-MARIE-TOOTH DISEASE, AXONAL, AUTOSOMAL DOMINANT, TYPE 2L; CHARCOT-MARIE-TOOTH NEUROPATHY, AXONAL, TYPE 2L. Identifiers: Orphanet 99945, MedGen C1837552, MONDO:0012096, OMIM 608673.

Submissions (2):

Labcorp Genetics (formerly Invitae), Labcorp
Classification: Uncertain significance for Charcot-Marie-Tooth disease axonal type 2L. Last evaluated: 2025-06-06. Review status: criteria provided, single submitter. Criteria: Invitae Variant Classification Sherloc (09022015). Collection method: clinical testing. Allele origin: germline.
Comment: This sequence change replaces leucine, which is neutral and non-polar, with phenylalanine, which is neutral and non-polar, at codon 186 of the HSPB8 protein (p.Leu186Phe). This variant is not present in population databases (gnomAD no frequency). This variant has not been reported in the literature in individuals affected with HSPB8-related conditions. ClinVar contains an entry for this variant (Variation ID: 953635). An algorithm developed to predict the effect of missense changes on protein structure and function (PolyPhen-2) suggests that this variant is likely to be tolerated. In summary, the available evidence is currently insufficient to determine the role of this variant in disease. Therefore, it has been classified as a Variant of Uncertain Significance.

Ambry Genetics
Classification: Uncertain significance for Inborn genetic diseases. Last evaluated: 2021-08-05. Review status: criteria provided, single submitter. Criteria: Ambry Variant Classification Scheme 2023. Collection method: clinical testing. Allele origin: germline.
Comment: The p.L186F variant (also known as c.556C>T), located in coding exon 3 of the HSPB8 gene, results from a C to T substitution at nucleotide position 556. The leucine at codon 186 is replaced by phenylalanine, an amino acid with highly similar properties. This amino acid position is conserved. In addition, this alteration is predicted to be tolerated by in silico analysis. Since supporting evidence is limited at this time, the clinical significance of this alteration remains unclear.

NM_014365.3(HSPB8):c.556C>T (p.Leu186Phe)

Gene: HSPB8 (heat shock protein family B (small) member 8; plus strand). Cytogenetic location: 12q24.23.
Variant type: single nucleotide variant.
Coding change: c.556C>T on transcript NM_014365.3 (MANE Select); coding-DNA position 556, C replaced by T.
Protein change: p.Leu186Phe; replaces leucine 186 with phenylalanine.
Molecular consequence: missense variant.
Genome position (GRCh38, 1-based): chr12:119,193,823, C>T. VCF-style: chr12-119193823-C-T. GRCh37 (hg19) VCF-style: chr12-119631628-C-T.
Other names: short protein forms L186F.
Identifiers: ClinVar variation 953635 (VCV000953635.11), dbSNP rs1954727649, ClinGen allele CA386532778.